The following is an entry in ClinVar:

NM_000038.6(APC):c.1082A>G (p.His361Arg)

Gene: APC (APC regulator of Wnt signaling pathway; plus strand). Cytogenetic location: 5q22.2.
Variant type: single nucleotide variant.
Coding change: c.1082A>G on transcript NM_000038.6 (MANE Select); coding-DNA position 1082, A replaced by G.
Protein change: p.His361Arg; replaces histidine 361 with arginine.
Molecular consequence: missense variant. On other transcripts: intron variant (4).
Genome position (GRCh38, 1-based): chr5:112,819,114, A>G. VCF-style: chr5-112819114-A-G. GRCh37 (hg19) VCF-style: chr5-112154811-A-G.
Other names: c.1082A>G, p.His361Arg (NM_001127510.3, NM_001354895.2, NM_001354896.2); c.1028A>G, p.His343Arg (NM_001127511.3); c.1112A>G, p.His371Arg (NM_001354897.2); c.1007A>G, p.His336Arg (NM_001354898.2); c.998A>G, p.His333Arg (NM_001354899.2); c.905A>G, p.His302Arg (NM_001354900.2, NM_001354901.2); c.233A>G, p.His78Arg (NM_001354906.2); c.964-155A>G (NM_001354902.2); and 3 more; short protein forms H343R, H361R, H302R, H333R, H371R, H78R, H336R.
Identifiers: ClinVar variation 482499 (VCV000482499.21), dbSNP rs1554080006, ClinGen allele CA16023679.
Genomic context (GRCh38, chr5:112,819,114, plus strand): 5'-AAGACAGCTGTATATCCATGCGACAGTCTGGATGTCTTCCTCTCCTCATCCAGCTTTTAC[A>G]TGGCAATGACAAAGACTCTGTATTGTTGGGAAATTCCCGGGGCAGTAAAGAGGCTCGGGC-3'
Protein context (NP_000029.2, residues 351-371): GCLPLLIQLL[His361Arg]GNDKDSVLLG

ClinVar aggregate classification (germline): Conflicting classifications of pathogenicity. Review status: criteria provided, conflicting classifications (1 of 4 stars). 5 submissions from 5 submitters: Uncertain significance (4); Likely benign (1). Last evaluated 2025-07-21.

Conditions:
Hereditary cancer-predisposing syndrome. Also called: Neoplastic Syndromes, Hereditary; Tumor predisposition; Hereditary Cancer Syndrome; Hereditary neoplastic syndrome. Identifiers: Orphanet 140162, MedGen C0027672, MeSH D009386, MONDO:0015356.
Classic or attenuated familial adenomatous polyposis. Identifiers: MedGen CN372698, MONDO:0021057.
Familial adenomatous polyposis 1 (FAP1). Also called: FAMILIAL ADENOMATOUS POLYPOSIS 1, ATTENUATED; POLYPOSIS, ADENOMATOUS INTESTINAL. Identifiers: MedGen C2713442, MONDO:0021056, OMIM 175100. Disease mechanism: loss of function.

Allele frequency attached by ClinVar (database versions not stated): gnomAD exomes below 0.00001.
gnomAD v4.1: 2 of 1,614,084 alleles (0.00012%); highest among the groups gnomAD compares: Non-Finnish European, 0.00017%; no homozygotes.

Submissions (5):

Ambry Genetics
Classification: Likely benign for Hereditary cancer-predisposing syndrome. Last evaluated: 2025-07-21. Review status: criteria provided, single submitter. Criteria: Ambry Variant Classification Scheme 2023. Collection method: clinical testing. Allele origin: germline.

All of Us Research Program, National Institutes of Health
Classification: Uncertain significance for Classic or attenuated familial adenomatous polyposis. Last evaluated: 2024-07-20. Review status: criteria provided, single submitter. Criteria: ACMG Guidelines, 2015. Collection method: clinical testing. Allele origin: germline. Inheritance: Autosomal dominant inheritance. Observed: 2 variant alleles, 2 heterozygotes.
Comment: This missense variant replaces histidine with arginine at codon 361 of the APC protein. Computational prediction is inconclusive regarding the impact of this variant on protein structure and function (internally defined REVEL score threshold 0.5 < inconclusive < 0.7, PMID: 27666373). To our knowledge, functional studies have not been reported for this variant. This variant has not been reported in individuals affected with APC-related disorders in the literature. This variant has not been identified in the general population by the Genome Aggregation Database (gnomAD). The available evidence is insufficient to determine the role of this variant in disease conclusively. Therefore, this variant is classified as a Variant of Uncertain Significance.

This study involves interpretation of variants in research participants for the purpose of population health screening. Participant phenotype was not available at the time of variant classification. Additional details can be found in publication PMID: 35346344, PMCID: PMC8962531

Color Diagnostics, LLC DBA Color Health
Classification: Uncertain significance for Hereditary cancer-predisposing syndrome. Last evaluated: 2024-07-10. Review status: criteria provided, single submitter. Criteria: ACMG Guidelines, 2015. Collection method: clinical testing. Allele origin: germline.
Comment: This missense variant replaces histidine with arginine at codon 361 of the APC protein. Computational prediction is inconclusive regarding the impact of this variant on protein structure and function (internally defined REVEL score threshold 0.5 < inconclusive < 0.7, PMID: 27666373). To our knowledge, functional studies have not been reported for this variant. This variant has not been reported in individuals affected with APC-related disorders in the literature. This variant has not been identified in the general population by the Genome Aggregation Database (gnomAD). The available evidence is insufficient to determine the role of this variant in disease conclusively. Therefore, this variant is classified as a Variant of Uncertain Significance.

GeneDx
Classification: Uncertain significance. Last evaluated: 2023-03-06. Review status: criteria provided, single submitter. Criteria: GeneDx Variant Classification Process June 2021. Collection method: clinical testing. Allele origin: germline. Affected: yes.
Comment: Not observed at significant frequency in large population cohorts (gnomAD); In silico analysis supports that this missense variant has a deleterious effect on protein structure/function; Has not been previously published as pathogenic or benign to our knowledge

Labcorp Genetics (formerly Invitae), Labcorp
Classification: Uncertain significance for Familial adenomatous polyposis 1. Last evaluated: 2021-09-23. Review status: criteria provided, single submitter. Criteria: Invitae Variant Classification Sherloc (09022015). Collection method: clinical testing. Allele origin: germline.
Comment: In summary, the available evidence is currently insufficient to determine the role of this variant in disease. Therefore, it has been classified as a Variant of Uncertain Significance. Algorithms developed to predict the effect of missense changes on protein structure and function are either unavailable or do not agree on the potential impact of this missense change (SIFT: "Deleterious"; PolyPhen-2: "Probably Damaging"; Align-GVGD: "Class C0"). ClinVar contains an entry for this variant (Variation ID: 482499). This variant has not been reported in the literature in individuals affected with APC-related conditions. This variant is not present in population databases (ExAC no frequency). This sequence change replaces histidine with arginine at codon 361 of the APC protein (p.His361Arg). The histidine residue is highly conserved and there is a small physicochemical difference between histidine and arginine.